The following is an entry in ClinVar:

NM_001184.4(ATR):c.4261A>C (p.Ile1421Leu)

Gene: ATR (ATR checkpoint kinase; minus strand). Cytogenetic location: 3q23.
Variant type: single nucleotide variant.
Coding change: c.4261A>C on transcript NM_001184.4 (MANE Select); coding-DNA position 4261, A replaced by C.
Protein change: p.Ile1421Leu; replaces isoleucine 1421 with leucine.
Molecular consequence: missense variant.
Genome position (GRCh38, 1-based): chr3:142,522,733, T>G on the plus strand (A>C on the coding strand, the complement: ATR is on the minus strand). VCF-style: chr3-142522733-T-G. GRCh37 (hg19) VCF-style: chr3-142241575-T-G.
Other names: c.4069A>C, p.Ile1357Leu (NM_001354579.2); short protein forms I1357L, I1421L.
Identifiers: ClinVar variation 3221157 (VCV003221157.1), dbSNP rs2473256829, ClinGen allele CA354800973.

ClinVar aggregate classification (germline): Uncertain significance (1 of 4 stars; one submission).

Conditions:
Inborn genetic diseases. Identifiers: MedGen C0950123, MeSH D030342.

Submission:

Ambry Genetics
Classification: Uncertain significance for Inborn genetic diseases. Last evaluated: 2024-02-22. Review status: criteria provided, single submitter. Criteria: Ambry Variant Classification Scheme 2023. Collection method: clinical testing. Allele origin: germline.
Comment: The p.I1421L variant (also known as c.4261A>C), located in coding exon 23 of the ATR gene, results from an A to C substitution at nucleotide position 4261. The isoleucine at codon 1421 is replaced by leucine, an amino acid with highly similar properties. This amino acid position is conserved. In addition, this alteration is predicted to be tolerated by in silico analysis. Based on the available evidence, the clinical significance of this alteration remains unclear.